The following is an entry in ClinVar:

NM_178857.6(RP1L1):c.533T>C (p.Leu178Pro)

Gene: RP1L1 (RP1 like 1). Cytogenetic location: 8p23.1.
Variant type: single nucleotide variant.
Coding change: c.533T>C on transcript NM_178857.6 (MANE Select); coding-DNA position 533, T replaced by C.
Protein change: p.Leu178Pro; replaces leucine 178 with proline.
Molecular consequence: missense variant.
Genome position (GRCh38, 1-based): chr8:10,622,669, A>G on the plus strand (T>C on the coding strand, the complement: RP1L1 is on the minus strand). VCF-style: chr8-10622669-A-G. GRCh37 (hg19) VCF-style: chr8-10480179-A-G.
Other names: short protein forms L178P.
Identifiers: ClinVar variation 4750832 (VCV004750832.1).

ClinVar aggregate classification (germline): Uncertain significance (1 of 4 stars; one submission).

gnomAD v4.1: 14 of 1,614,094 alleles (0.00087%); highest among the groups gnomAD compares: Non-Finnish European, 0.0012%; no homozygotes.

Submission:

Labcorp Genetics (formerly Invitae), Labcorp
Classification: Uncertain significance. Last evaluated: 2025-12-15. Review status: criteria provided, single submitter. Criteria: Invitae Variant Classification Sherloc (09022015). Collection method: clinical testing. Allele origin: germline.
Comment: This sequence change replaces leucine, which is neutral and non-polar, with proline, which is neutral and non-polar, at codon 178 of the RP1L1 protein (p.Leu178Pro). This variant is not present in population databases (gnomAD no frequency). This variant has not been reported in the literature in individuals affected with RP1L1-related conditions. Invitae Evidence Modeling of protein sequence and biophysical properties (such as structural, functional, and spatial information, amino acid conservation, physicochemical variation, residue mobility, and thermodynamic stability) indicates that this missense variant is not expected to disrupt RP1L1 protein function with a negative predictive value of 80%. In summary, the available evidence is currently insufficient to determine the role of this variant in disease. Therefore, it has been classified as a Variant of Uncertain Significance.